The following is an entry in ClinVar:

NM_005876.5(SPEG):c.6632C>T (p.Ala2211Val)

Genes: ASIC4-AS1 (ASIC4 antisense RNA 1; minus strand), SPEG (striated muscle enriched protein kinase; plus strand). Cytogenetic location: 2q35.
Variant type: single nucleotide variant.
Coding change: c.6632C>T on transcript NM_005876.5 (MANE Select); coding-DNA position 6632, C replaced by T.
Protein change: p.Ala2211Val; replaces alanine 2211 with valine.
Molecular consequence: missense variant.
Genome position (GRCh38, 1-based): chr2:219,484,095, C>T. VCF-style: chr2-219484095-C-T. GRCh37 (hg19) VCF-style: chr2-220348817-C-T.
Other names: short protein forms A2211V.
Identifiers: ClinVar variation 1920024 (VCV001920024.5), dbSNP rs1314054673, ClinGen allele CA350698663.

ClinVar aggregate classification (germline): Uncertain significance (1 of 4 stars; one submission).

Allele frequency attached by ClinVar (database versions not stated): gnomAD exomes below 0.00001; TOPMed below 0.00001.
gnomAD v4.1: 2 of 1,613,692 alleles (0.00012%); highest among the groups gnomAD compares: Admixed American, 0.0033%; no homozygotes.

Submission:

Labcorp Genetics (formerly Invitae), Labcorp
Classification: Uncertain significance. Last evaluated: 2024-05-02. Review status: criteria provided, single submitter. Criteria: Invitae Variant Classification Sherloc (09022015). Collection method: clinical testing. Allele origin: germline.
Comment: This sequence change replaces alanine, which is neutral and non-polar, with valine, which is neutral and non-polar, at codon 2211 of the SPEG protein (p.Ala2211Val). This variant is present in population databases (no rsID available, gnomAD 0.003%). This variant has not been reported in the literature in individuals affected with SPEG-related conditions. ClinVar contains an entry for this variant (Variation ID: 1920024). Algorithms developed to predict the effect of missense changes on protein structure and function output the following: SIFT: "Not Available"; PolyPhen-2: "Benign"; Align-GVGD: "Not Available". The valine amino acid residue is found in multiple mammalian species, which suggests that this missense change does not adversely affect protein function. In summary, the available evidence is currently insufficient to determine the role of this variant in disease. Therefore, it has been classified as a Variant of Uncertain Significance.